The following is an entry in ClinVar:

ClinVar aggregate classification (germline): Uncertain significance (1 of 4 stars; one submission).

Submission:

Labcorp Genetics (formerly Invitae), Labcorp
Classification: Uncertain significance. Last evaluated: 2022-06-27. Review status: criteria provided, single submitter. Criteria: Invitae Variant Classification Sherloc (09022015). Collection method: clinical testing. Allele origin: germline.
Comment: This sequence change creates a premature translational stop signal (p.Arg168Glyfs*12) in the NSMCE3 gene. While this is not anticipated to result in nonsense mediated decay, it is expected to disrupt the last 137 amino acid(s) of the NSMCE3 protein. This variant is not present in population databases (gnomAD no frequency). This variant has not been reported in the literature in individuals affected with NSMCE3-related conditions. In summary, the available evidence is currently insufficient to determine the role of this variant in disease. Therefore, it has been classified as a Variant of Uncertain Significance.

NM_138704.4(NSMCE3):c.502del (p.Arg168fs)

Genes: ENTREP2 (endosomal transmembrane epsin interactor 2; minus strand), NSMCE3 (NSE3 homolog, SMC5-SMC6 complex component; minus strand). Cytogenetic location: 15q13.1.
Variant type: Deletion.
Coding change: c.502del on transcript NM_138704.4 (MANE Select); coding-DNA position 502, one base deleted (A; older notation c.502delA).
Protein change: p.Arg168fs; shifts the reading frame from arginine 168.
Molecular consequence: frameshift variant. On other transcripts: intron variant (5).
Genome position (GRCh38, 1-based): chr15:29,269,204, T deleted on the plus strand (A on the coding strand, the reverse complement: NSMCE3 is on the minus strand). VCF-style (leftmost placement, unchanged base first): chr15-29269203-CT-C. GRCh37 (hg19) VCF-style: chr15-29561407-CT-C.
Other names: c.-12-16726del (NM_001387217.1, NM_001387215.1, NM_001387216.1); c.277-16726del (NM_001387214.1, NM_015307.2); short protein forms R168fs.
Identifiers: ClinVar variation 1468876 (VCV001468876.7), dbSNP rs2153042265, ClinGen allele CA2573150622.
Genomic context (GRCh38, chr15:29,269,203, plus strand): 5'-ATAAAGATGAGCCCTAAGACGATCATCAGGAGGCCCGTAGTGGGCGTGCCTTGGTCACCC[CT>C]CATCTCGGCATCCTCCTCCACAGGCTCCAGGGTGTTGATGAGGATGTAAGTGTTGCTCTT-3'